The following is an entry in ClinVar:

ClinVar aggregate classification (germline): Uncertain significance (1 of 4 stars; one submission).

Submission:

Labcorp Genetics (formerly Invitae), Labcorp
Classification: Uncertain significance. Last evaluated: 2025-10-23. Review status: criteria provided, single submitter. Criteria: Invitae Variant Classification Sherloc (09022015). Collection method: clinical testing. Allele origin: germline.
Comment: This sequence change replaces arginine, which is basic and polar, with methionine, which is neutral and non-polar, at codon 509 of the ZSWIM6 protein (p.Arg509Met). This variant is not present in population databases (gnomAD no frequency). This variant has not been reported in the literature in individuals affected with ZSWIM6-related conditions. An algorithm developed to predict the effect of missense changes on protein structure and function (PolyPhen-2) suggests that this variant is likely to be disruptive. In summary, the available evidence is currently insufficient to determine the role of this variant in disease. Therefore, it has been classified as a Variant of Uncertain Significance.

NM_020928.2(ZSWIM6):c.1526G>T (p.Arg509Met)

Gene: ZSWIM6 (zinc finger SWIM-type containing 6; plus strand). Cytogenetic location: 5q12.1.
Variant type: single nucleotide variant.
Coding change: c.1526G>T on transcript NM_020928.2 (MANE Select); coding-DNA position 1526, G replaced by T.
Protein change: p.Arg509Met; replaces arginine 509 with methionine.
Molecular consequence: missense variant.
Genome position (GRCh38, 1-based): chr5:61,525,812, G>T. VCF-style: chr5-61525812-G-T. GRCh37 (hg19) VCF-style: chr5-60821639-G-T.
Other names: short protein forms R509M.
Identifiers: ClinVar variation 4729727 (VCV004729727.1).
Genomic context (GRCh38, chr5:61,525,812, plus strand): 5'-ACATGTGAATAATAGCTGACACGGCTTTCTGAATTGTGGAAAAAACAGATTCATCGAACA[G>T]GCCACATCGGACAGTGTTCACCCGAGCCATCGAGGCATGCGATCTCCACTGGCAGGATAG-3'
Protein context (NP_065979.1, residues 499-519): GANANQDSSN[Arg509Met]PHRTVFTRAI